The following is an entry in ClinVar:

NM_004656.4(BAP1):c.123-10_129del

Gene: BAP1 (BRCA1 associated deubiquitinase 1; minus strand). Cytogenetic location: 3p21.1.
Variant type: Deletion.
Coding change: c.123-10_129del on transcript NM_004656.4 (MANE Select); 10 bases into the intron before coding-DNA position 123 through coding-DNA position 129, 17 bases deleted (CTTCCCCCAGCCCTGTA).
Molecular consequence: splice acceptor variant.
Genome position (GRCh38, 1-based): chr3:52,408,600-52,408,616, TACAGGGCTGGGGGAAG deleted on the plus strand (CTTCCCCCAGCCCTGTA on the coding strand, the reverse complement: BAP1 is on the minus strand); deleting any 17 consecutive bases within chr3:52,408,600-52,408,618 gives the same sequence; the c. name uses the placement nearest the transcript's 3' end. VCF-style (leftmost placement, unchanged base first): chr3-52408599-ATACAGGGCTGGGGGAAG-A. GRCh37 (hg19) VCF-style: chr3-52442615-ATACAGGGCTGGGGGAAG-A.
Other names: c.123-10_129del (NM_001410772.1).
Identifiers: ClinVar variation 3477293 (VCV003477293.3).
Genomic context (GRCh38, chr3:52,408,599, plus strand): 5'-TAGAGACCTTTCGCCGGGACCGGCGCTCTTCGATCCATTTGAACAGGAAGATAAATCCAT[ATACAGGGCTGGGGGAAG>A]TAAGGGGCAGAGCCAGATCAGCCAAAGGGGAGAAGACAATCAGCATTCCCTTCTTTCTCC-3'

ClinVar aggregate classification (germline): Likely pathogenic. Review status: criteria provided, multiple submitters, no conflicts (2 of 4 stars). 2 submissions from 2 submitters: Likely pathogenic (2). Last evaluated 2025-11-05.

Conditions:
Hereditary cancer-predisposing syndrome. Also called: Tumor predisposition; Neoplastic Syndromes, Hereditary; Hereditary neoplastic syndrome; Hereditary Cancer Syndrome. Identifiers: Orphanet 140162, MedGen C0027672, MeSH D009386, MONDO:0015356.
BAP1-related tumor predisposition syndrome (TPDS1). Also called: COMMON Syndrome; TUMOR PREDISPOSITION SYNDROME 1; BAP1 tumor predisposition syndrome; Tumor susceptibility linked to germline BAP1 mutations. Identifiers: Orphanet 289539, MedGen C3280492, MONDO:0013692, OMIM 614327.

Submissions (2):

Labcorp Genetics (formerly Invitae), Labcorp
Classification: Likely pathogenic for BAP1-related tumor predisposition syndrome. Last evaluated: 2025-11-05. Review status: criteria provided, single submitter. Criteria: Invitae Variant Classification Sherloc (09022015). Collection method: clinical testing. Allele origin: germline.
Comment: This variant results in the deletion of part of exon 4 (c.123-10_129del) of the BAP1 gene. RNA analysis indicates that this variant induces altered splicing and may result in an absent or altered protein product. This variant is not present in population databases (gnomAD no frequency). This variant has been observed in individual(s) with BAP1-related cancer (internal data). ClinVar contains an entry for this variant (Variation ID: 3477293). Studies have shown that this variant results in skipping of exon 4, and produces a non-functional protein and/or introduces a premature termination codon (internal data). In summary, the currently available evidence indicates that the variant is pathogenic, but additional data are needed to prove that conclusively. Therefore, this variant has been classified as Likely Pathogenic.

Ambry Genetics
Classification: Likely pathogenic for Hereditary cancer-predisposing syndrome. Last evaluated: 2024-07-26. Review status: criteria provided, single submitter. Criteria: Ambry Variant Classification Scheme 2023. Collection method: clinical testing. Allele origin: germline.
Comment: The c.123-10_129del17 variant results from a deletion of 17 nucleotides between positions c.123-10 and c.129 and involves the canonical splice acceptor site before coding exon 4 of the BAP1 gene. This variant is considered to be rare based on population cohorts in the Genome Aggregation Database (gnomAD). The canonical splice acceptor site is well conserved in available vertebrate species. In silico splice site analysis predicts that this alteration will weaken the native splice acceptor site. RNA studies have demonstrated that this alteration results in abnormal splicing in the set of samples tested (Ambry internal data). Alterations that disrupt the canonical splice site are expected to cause aberrant splicing, resulting in an abnormal protein or a transcript that is subject to nonsense-mediated mRNA decay. As such, this alteration is classified as likely pathogenic.